The following is an entry in ClinVar:

NM_000071.3(CBS):c.750G>A (p.Met250Ile)

Gene: CBS (cystathionine beta-synthase; minus strand). Cytogenetic location: 21q22.3.
Variant type: single nucleotide variant.
Coding change: c.750G>A on transcript NM_000071.3 (MANE Select); coding-DNA position 750, G replaced by A.
Protein change: p.Met250Ile; replaces methionine 250 with isoleucine.
Molecular consequence: missense variant.
Genome position (GRCh38, 1-based): chr21:43,063,978, C>T on the plus strand (G>A on the coding strand, the complement: CBS is on the minus strand). VCF-style: chr21-43063978-C-T. GRCh37 (hg19) VCF-style: chr21-44484088-C-T.
Other names: p.M250I:ATG>ATA; c.750G>A, p.Met250Ile (NM_001178008.3, NM_001178009.3, NM_001320298.2); c.435G>A, p.Met145Ile (NM_001321072.1); short protein forms M250I, M145I.
Identifiers: ClinVar variation 212854 (VCV000212854.14), dbSNP rs863223431, ClinGen allele CA322755.
Genomic context (GRCh38, chr21:43,063,978, plus strand): 5'-CTCCTTCAGCTTCCTGGCAATGCCCGTGATGGTGCCGCCCGTGCCCACTGAAGCCACCAG[C>T]ATGTCCAGCTTCCCTGGTGGACGGATAACATTCTTGGGTCCCTGCCTGGCCAGCCCATCA-3'
Protein context (NP_000062.1, residues 240-260): ILQQCDGKLD[Met250Ile]LVASVGTGGT

ClinVar aggregate classification (germline): Uncertain significance. Review status: criteria provided, multiple submitters, no conflicts (2 of 4 stars). 3 submissions from 3 submitters: Uncertain significance (2). 1 of the submissions does not count toward it. Last evaluated 2026-01-14.

Conditions:
Classic homocystinuria. Also called: HOMOCYSTINURIA WITH OR WITHOUT RESPONSE TO PYRIDOXINE; Homocystinuria due to CBS deficiency; Cystathionine beta-synthase deficiency; CBS deficiency; Homocystinuria due to Cystathionine Beta-Synthase Deficiency. Identifiers: Orphanet 394, MedGen C0751202, MONDO:0009352, OMIM 236200.
HYPERHOMOCYSTEINEMIA, THROMBOTIC, CBS-RELATED. Identifiers: MedGen C3150344, OMIM 236200.

Submissions (3):

GeneDx
Classification: Uncertain significance. Last evaluated: 2026-01-14. Review status: criteria provided, single submitter. Criteria: GeneDx Variant Classification Process June 2021. Collection method: clinical testing. Allele origin: germline. Affected: yes.
Comment: Not observed at significant frequency in large population cohorts (gnomAD); In silico analysis supports that this missense variant has a deleterious effect on protein structure/function; Has not been previously published as pathogenic or benign to our knowledge; This variant is associated with the following publications: (PMID: 26582918)

Labcorp Genetics (formerly Invitae), Labcorp
Classification: Uncertain significance for HYPERHOMOCYSTEINEMIA, THROMBOTIC, CBS-RELATED. Last evaluated: 2022-11-02. Review status: criteria provided, single submitter. Criteria: Invitae Variant Classification Sherloc (09022015). Collection method: clinical testing. Allele origin: germline.
Comment: This sequence change replaces methionine, which is neutral and non-polar, with isoleucine, which is neutral and non-polar, at codon 250 of the CBS protein (p.Met250Ile). This variant is not present in population databases (gnomAD no frequency). This variant has not been reported in the literature in individuals affected with CBS-related conditions. ClinVar contains an entry for this variant (Variation ID: 212854). Advanced modeling of protein sequence and biophysical properties (such as structural, functional, and spatial information, amino acid conservation, physicochemical variation, residue mobility, and thermodynamic stability) performed at Invitae indicates that this missense variant is expected to disrupt CBS protein function. In summary, the available evidence is currently insufficient to determine the role of this variant in disease. Therefore, it has been classified as a Variant of Uncertain Significance.

Natera, Inc.
Classification: Uncertain significance for Homocystinuria due to cystathionine beta-synthase deficiency. Last evaluated: 2020-08-17. Review status: no assertion criteria provided. Collection method: clinical testing. Allele origin: germline. Not counted in ClinVar's aggregate classification.